The following is an entry in ClinVar:

NM_001037333.3(CYFIP2):c.3626A>C (p.Lys1209Thr)

Genes: CYFIP2 (cytoplasmic FMR1 interacting protein 2; plus strand), NIPAL4-DT (NIPAL4 divergent transcript; minus strand). Cytogenetic location: 5q33.3.
Variant type: single nucleotide variant.
Coding change: c.3626A>C on transcript NM_001037333.3 (MANE Select); coding-DNA position 3626, A replaced by C.
Protein change: p.Lys1209Thr; replaces lysine 1209 with threonine.
Molecular consequence: missense variant.
Genome position (GRCh38, 1-based): chr5:157,392,864, A>C. VCF-style: chr5-157392864-A-C. GRCh37 (hg19) VCF-style: chr5-156819872-A-C.
Other names: c.3548A>C, p.Lys1183Thr (NM_001291721.2); c.3701A>C, p.Lys1234Thr (NM_001291722.2); c.3626A>C, p.Lys1209Thr (NM_014376.4); short protein forms K1183T, K1209T, K1234T.
Identifiers: ClinVar variation 3371748 (VCV003371748.1).

ClinVar aggregate classification (germline): Uncertain significance (1 of 4 stars; one submission).

Submission:

GeneDx
Classification: Uncertain significance. Last evaluated: 2024-03-31. Review status: criteria provided, single submitter. Criteria: GeneDx Variant Classification Process June 2021. Collection method: clinical testing. Allele origin: germline. Affected: yes.
Comment: Not observed at significant frequency in large population cohorts (gnomAD); In silico analysis supports that this missense variant has a deleterious effect on protein structure/function; Has not been previously published as pathogenic or benign to our knowledge